The following is an entry in ClinVar:

ClinVar aggregate classification (germline): Uncertain significance. Review status: criteria provided, multiple submitters, no conflicts (2 of 4 stars). 3 submissions from 3 submitters: Uncertain significance (3). Last evaluated 2024-10-28.

Conditions:
Hemolytic anemia due to pyrimidine 5' nucleotidase deficiency (CNSHA8). Also called: UMPH1 DEFICIENCY; P5N DEFICIENCY; PYRIMIDINE 5-PRIME NUCLEOTIDASE DEFICIENCY, HEMOLYTIC ANEMIA DUE TO; HEMOLYTIC ANEMIA DUE TO P5N DEFICIENCY; HEMOLYTIC ANEMIA DUE TO UMPH1 DEFICIENCY. Identifiers: Orphanet 35120, MedGen C1849507, MONDO:0009946, OMIM 266120.

Allele frequency attached by ClinVar (database versions not stated): ESP Exome Variant Server 0.00023; TOPMed 0.00017; gnomAD 0.00017; ExAC 0.00008; gnomAD exomes 0.00025.
gnomAD v4.1: 384 of 1,611,264 alleles (0.024%); highest among the groups gnomAD compares: Non-Finnish European, 0.032%; no homozygotes.

Submissions (3):

Labcorp Genetics (formerly Invitae), Labcorp
Classification: Uncertain significance. Last evaluated: 2024-10-28. Review status: criteria provided, single submitter. Criteria: Invitae Variant Classification Sherloc (09022015). Collection method: clinical testing. Allele origin: germline.
Comment: This sequence change replaces glutamic acid, which is acidic and polar, with aspartic acid, which is acidic and polar, at codon 267 of the NT5C3A protein (p.Glu267Asp). This variant is present in population databases (rs138845909, gnomAD 0.02%). This variant has not been reported in the literature in individuals affected with NT5C3A-related conditions. ClinVar contains an entry for this variant (Variation ID: 2070549). Invitae Evidence Modeling of protein sequence and biophysical properties (such as structural, functional, and spatial information, amino acid conservation, physicochemical variation, residue mobility, and thermodynamic stability) indicates that this missense variant is not expected to disrupt NT5C3A protein function with a negative predictive value of 80%. In summary, the available evidence is currently insufficient to determine the role of this variant in disease. Therefore, it has been classified as a Variant of Uncertain Significance.

Revvity Omics, Revvity
Classification: Uncertain significance for Hemolytic anemia due to pyrimidine 5' nucleotidase deficiency. Last evaluated: 2022-10-18. Review status: criteria provided, single submitter. Criteria: ACMG Guidelines, 2015. Collection method: clinical testing. Allele origin: germline.

Ambry Genetics
Classification: Uncertain significance. Last evaluated: 2022-08-11. Review status: criteria provided, single submitter. Criteria: Ambry Variant Classification Scheme 2023. Collection method: clinical testing. Allele origin: germline.

NM_001002010.5(NT5C3A):c.903G>C (p.Glu301Asp)

Gene: NT5C3A (5'-nucleotidase, cytosolic IIIA; minus strand). Cytogenetic location: 7p14.3.
Variant type: single nucleotide variant.
Coding change: c.903G>C on transcript NM_001002010.5 (MANE Select); coding-DNA position 903, G replaced by C.
Protein change: p.Glu301Asp; replaces glutamic acid 301 with aspartic acid.
Molecular consequence: missense variant.
Genome position (GRCh38, 1-based): chr7:33,014,823, C>G on the plus strand (G>C on the coding strand, the complement: NT5C3A is on the minus strand). VCF-style: chr7-33014823-C-G. GRCh37 (hg19) VCF-style: chr7-33054435-C-G.
Other names: c.801G>C, p.Glu267Asp (NM_001002009.3, NM_016489.14); c.765G>C, p.Glu255Asp (NM_001166118.3, NM_001356996.3, NM_001374336.1 and 1 more transcripts); c.804G>C, p.Glu268Asp (NM_001374335.1); c.702G>C, p.Glu234Asp (NM_001374338.1, NM_001374339.1); c.801G>C (NM_016489.13); short protein forms E234D, E268D, E255D, E267D, E301D.
Identifiers: ClinVar variation 2070549 (VCV002070549.8), dbSNP rs138845909, ClinGen allele CA4213278.